The following is an entry in ClinVar:

ClinVar aggregate classification (germline): Uncertain significance. Review status: criteria provided, multiple submitters, no conflicts (2 of 4 stars). 2 submissions from 2 submitters: Uncertain significance (2). Last evaluated 2026-07-02.

Conditions:
Melnick-Needles syndrome (MNS). Also called: MELNICK-NEEDLES OSTEODYSPLASTY; OSTEODYSPLASTY OF MELNICK AND NEEDLES; Melnick-Needles Syndrome (FLNA-MNS). Identifiers: Orphanet 2484, MedGen C0025237, MONDO:0010650, OMIM 309350.
Heterotopia, periventricular, X-linked dominant (PVNH1). Also called: PERIVENTRICULAR NODULAR HETEROTOPIA 1; X-linked periventricular heterotopia; PERIVENTRICULAR NODULAR HETEROTOPIA 4; HETEROTOPIA, PERIVENTRICULAR, 1. Identifiers: Orphanet 2149, Orphanet 82004, MedGen C1848213, MONDO:0010233, OMIM 300049.
Frontometaphyseal dysplasia (FMD1). Identifiers: Orphanet 1826, MedGen C0265293, MONDO:0015942.
Oto-palato-digital syndrome, type II (OPD2). Also called: OPD II SYNDROME; Otopalatodigital Syndrome, Type II; Otopalatodigital Syndrome Type 2 (FLNA-OPD2); FACIOPALATOOSSEOUS SYNDROME. Identifiers: Orphanet 669, Orphanet 90652, MedGen C1844696, MONDO:0010571, OMIM 304120.

Submissions (2):

GeneDx
Classification: Uncertain significance. Last evaluated: 2026-07-02. Review status: criteria provided, single submitter. Criteria: GeneDx Variant Classification Process June 2021. Collection method: clinical testing. Allele origin: germline.
Comment: Not observed at significant frequency in large population cohorts (gnomAD); In silico analysis supports that this missense variant has a deleterious effect on protein structure/function; Has not been previously published as pathogenic or benign to our knowledge

Labcorp Genetics (formerly Invitae), Labcorp
Classification: Uncertain significance for Oto-palato-digital syndrome, type II; Heterotopia, periventricular, X-linked dominant; Frontometaphyseal dysplasia; Melnick-Needles syndrome. Last evaluated: 2021-05-31. Review status: criteria provided, single submitter. Criteria: Invitae Variant Classification Sherloc (09022015). Collection method: clinical testing. Allele origin: germline.
Comment: Advanced modeling of protein sequence and biophysical properties (such as structural, functional, and spatial information, amino acid conservation, physicochemical variation, residue mobility, and thermodynamic stability) performed at Invitae indicates that this missense variant is not expected to disrupt FLNA protein function. In summary, the available evidence is currently insufficient to determine the role of this variant in disease. Therefore, it has been classified as a Variant of Uncertain Significance. This variant has not been reported in the literature in individuals with FLNA-related conditions. This variant is not present in population databases (ExAC no frequency). This sequence change replaces glycine with serine at codon 2237 of the FLNA protein (p.Gly2237Ser). The glycine residue is highly conserved and there is a small physicochemical difference between glycine and serine.

NM_001110556.2(FLNA):c.6733G>A (p.Gly2245Ser)

Gene: FLNA (filamin A; minus strand). Cytogenetic location: Xq28.
Variant type: single nucleotide variant.
Coding change: c.6733G>A on transcript NM_001110556.2 (MANE Select); coding-DNA position 6733, G replaced by A.
Protein change: p.Gly2245Ser; replaces glycine 2245 with serine.
Molecular consequence: missense variant.
Genome position (GRCh38, 1-based): chrX:154,352,217, C>T on the plus strand (G>A on the coding strand, the complement: FLNA is on the minus strand). VCF-style: chrX-154352217-C-T. GRCh37 (hg19) VCF-style: chrX-153580585-C-T.
Other names: c.6709G>A (NM_001456.3); c.6709G>A, p.Gly2237Ser (NM_001456.4); short protein forms G2237S, G2245S.
Identifiers: ClinVar variation 1516825 (VCV001516825.9), dbSNP rs2148103841, ClinGen allele CA415189533.
Genomic context (GRCh38, chrX:154,352,217, plus strand): 5'-CACTCGGGGTGTGAGCAGGCCTACCTGGCACTCCAGCTTCAGCTCTCTCCAGGCCAGGGC[C>T]CCCAGCTCGGACCTTGTGGGCTCCCCCTTCCCCTAGGGGCCCCACGGTGAACTGGAAGGG-3'
Protein context (NP_001104026.1, residues 2235-2255): EGGAHKVRAG[Gly2245Ser]PGLERAEAGV